The following is an entry in ClinVar:

NM_012120.3(CD2AP):c.1756C>T (p.Leu586Phe)

Gene: CD2AP (CD2 associated protein; plus strand). Cytogenetic location: 6p12.3.
Variant type: single nucleotide variant.
Coding change: c.1756C>T on transcript NM_012120.3 (MANE Select); coding-DNA position 1756, C replaced by T.
Protein change: p.Leu586Phe; replaces leucine 586 with phenylalanine.
Molecular consequence: missense variant.
Genome position (GRCh38, 1-based): chr6:47,609,246, C>T. VCF-style: chr6-47609246-C-T. GRCh37 (hg19) VCF-style: chr6-47576982-C-T.
Other names: short protein forms L586F.
Identifiers: ClinVar variation 1352391 (VCV001352391.7), dbSNP rs368150114, ClinGen allele CA3844445.

ClinVar aggregate classification (germline): Uncertain significance. Review status: criteria provided, multiple submitters, no conflicts (2 of 4 stars). 2 submissions from 2 submitters: Uncertain significance (2). Last evaluated 2025-06-12.

Conditions:
Focal segmental glomerulosclerosis 3, susceptibility to (FSGS3). Identifiers: Orphanet 656, MedGen C1842982, MONDO:0011917, OMIM 607832.

Allele frequency attached by ClinVar (database versions not stated): gnomAD exomes 0.00001; ExAC 0.00002; gnomAD 0.00003 and 0.00004; TOPMed 0.00004; ESP Exome Variant Server 0.00008.
gnomAD v4.1: 23 of 1,613,372 alleles (0.0014%); highest among the groups gnomAD compares: African/African-American, 0.013%; no homozygotes.

Submissions (2):

Labcorp Genetics (formerly Invitae), Labcorp
Classification: Uncertain significance. Last evaluated: 2025-06-12. Review status: criteria provided, single submitter. Criteria: Invitae Variant Classification Sherloc (09022015). Collection method: clinical testing. Allele origin: germline.
Comment: This sequence change replaces leucine, which is neutral and non-polar, with phenylalanine, which is neutral and non-polar, at codon 586 of the CD2AP protein (p.Leu586Phe). This variant is present in population databases (rs368150114, gnomAD 0.02%). This variant has not been reported in the literature in individuals affected with CD2AP-related conditions. ClinVar contains an entry for this variant (Variation ID: 1352391). Invitae Evidence Modeling of protein sequence and biophysical properties (such as structural, functional, and spatial information, amino acid conservation, physicochemical variation, residue mobility, and thermodynamic stability) indicates that this missense variant is expected to disrupt CD2AP protein function with a positive predictive value of 80%. In summary, the available evidence is currently insufficient to determine the role of this variant in disease. Therefore, it has been classified as a Variant of Uncertain Significance.

Fulgent Genetics
Classification: Uncertain significance for Focal segmental glomerulosclerosis 3, susceptibility to. Last evaluated: 2021-07-15. Review status: criteria provided, single submitter. Criteria: ACMG Guidelines, 2015. Collection method: clinical testing. Allele origin: unknown.